The following is an entry in ClinVar:

NM_021076.4(NEFH):c.1378C>A (p.Gln460Lys)

Gene: NEFH (neurofilament heavy chain; plus strand). Cytogenetic location: 22q12.2.
Variant type: single nucleotide variant.
Coding change: c.1378C>A on transcript NM_021076.4 (MANE Select); coding-DNA position 1378, C replaced by A.
Protein change: p.Gln460Lys; replaces glutamine 460 with lysine.
Molecular consequence: missense variant.
Genome position (GRCh38, 1-based): chr22:29,489,018, C>A. VCF-style: chr22-29489018-C-A. GRCh37 (hg19) VCF-style: chr22-29885007-C-A.
Other names: c.1378C>A (NM_021076.3); short protein forms Q460K.
Identifiers: ClinVar variation 2194584 (VCV002194584.5), dbSNP rs761418823, ClinGen allele CA411129637.

ClinVar aggregate classification (germline): Uncertain significance. Review status: criteria provided, multiple submitters, no conflicts (2 of 4 stars). 2 submissions from 2 submitters: Uncertain significance (2). Last evaluated 2025-05-20.

Conditions:
Inborn genetic diseases. Identifiers: MedGen C0950123, MeSH D030342.

Allele frequency attached by ClinVar (database versions not stated): gnomAD exomes below 0.00001.
gnomAD v4.1: 5 of 1,614,032 alleles (0.00031%); highest among the groups gnomAD compares: Non-Finnish European, 0.00042%; no homozygotes.

Submissions (2):

Ambry Genetics
Classification: Uncertain significance for Inborn genetic diseases. Last evaluated: 2025-05-20. Review status: criteria provided, single submitter. Criteria: Ambry Variant Classification Scheme 2023. Collection method: clinical testing. Allele origin: germline.

Labcorp Genetics (formerly Invitae), Labcorp
Classification: Uncertain significance. Last evaluated: 2023-10-30. Review status: criteria provided, single submitter. Criteria: Invitae Variant Classification Sherloc (09022015). Collection method: clinical testing. Allele origin: germline.
Comment: This sequence change replaces glutamine, which is neutral and polar, with lysine, which is basic and polar, at codon 460 of the NEFH protein (p.Gln460Lys). This variant is not present in population databases (gnomAD no frequency). This variant has not been reported in the literature in individuals affected with NEFH-related conditions. ClinVar contains an entry for this variant (Variation ID: 2194584). Advanced modeling of protein sequence and biophysical properties (such as structural, functional, and spatial information, amino acid conservation, physicochemical variation, residue mobility, and thermodynamic stability) performed at Invitae indicates that this missense variant is not expected to disrupt NEFH protein function with a negative predictive value of 95%. In summary, the available evidence is currently insufficient to determine the role of this variant in disease. Therefore, it has been classified as a Variant of Uncertain Significance.